The following is an entry in ClinVar:

ClinVar aggregate classification (germline): Pathogenic (1 of 4 stars; one submission).

Conditions:
Familial adenomatous polyposis 1 (FAP1). Also called: FAMILIAL ADENOMATOUS POLYPOSIS 1, ATTENUATED; POLYPOSIS, ADENOMATOUS INTESTINAL. Identifiers: MedGen C2713442, MONDO:0021056, OMIM 175100. Disease mechanism: loss of function.

Submission:

Myriad Genetics, Inc.
Classification: Pathogenic for Familial adenomatous polyposis 1. Last evaluated: 2023-05-01. Review status: criteria provided, single submitter. Criteria: Myriad Autosomal Dominant, Autosomal Recessive and X-Linked Classification Criteria (2023). Collection method: clinical testing. Allele origin: unknown.
Comment: This variant is considered pathogenic. This variant creates a termination codon and is predicted to result in premature protein truncation.

NM_000038.6(APC):c.1327G>T (p.Glu443Ter)

Gene: APC (APC regulator of Wnt signaling pathway; plus strand). Cytogenetic location: 5q22.2.
Variant type: single nucleotide variant.
Coding change: c.1327G>T on transcript NM_000038.6 (MANE Select); coding-DNA position 1327, G replaced by T.
Protein change: p.Glu443Ter; replaces glutamic acid 443 with a stop codon.
Molecular consequence: nonsense. On other transcripts: non-coding transcript variant (2).
Genome position (GRCh38, 1-based): chr5:112,821,910, G>T. VCF-style: chr5-112821910-G-T. GRCh37 (hg19) VCF-style: chr5-112157607-G-T.
Other names: c.1327G>T, p.Glu443Ter (NM_001127510.3, NM_001354895.2, NM_001354896.2 and 4 more transcripts); c.1273G>T, p.Glu425Ter (NM_001127511.3); c.1357G>T, p.Glu453Ter (NM_001354897.2, NM_001407446.1); c.1252G>T, p.Glu418Ter (NM_001354898.2, NM_001407451.1); c.1243G>T, p.Glu415Ter (NM_001354899.2, NM_001407452.1); c.1150G>T, p.Glu384Ter (NM_001354900.2, NM_001354901.2, NM_001407453.1); c.1054G>T, p.Glu352Ter (NM_001354902.2); c.1024G>T, p.Glu342Ter (NM_001354903.2, NM_001407454.1, NM_001407455.1 and 5 more transcripts); and 5 more; short protein forms E160*, E283*, E314*, E317*, E342*, E352*, E384*, E415*.
Identifiers: ClinVar variation 2584275 (VCV002584275.1), dbSNP rs1763168688, ClinGen allele CA16024211.
Genomic context (GRCh38, chr5:112,821,910, plus strand): 5'-CTTCAAATAACAAAGCATTATGGTTTATGTTGATTTTATTTTTCAGTGCCAGCTCCTGTT[G>T]AACATCAGATCTGTCCTGCTGTGTGTGTTCTAATGAAACTTTCATTTGATGAAGAGCATA-3'